The following is an entry in ClinVar:

ClinVar aggregate classification (germline): Likely benign. Review status: criteria provided, multiple submitters, no conflicts (2 of 4 stars). 4 submissions from 4 submitters: Likely benign (3). 1 of the submissions does not count toward it. Last evaluated 2025-06-11.

Conditions:
MTFMT-related disorder. Also called: MTFMT-related condition.

Allele frequency attached by ClinVar (database versions not stated): gnomAD exomes 0.00005 and 0.00006; ExAC 0.00009; gnomAD 0.00064 and 0.00066; TOPMed 0.00080; 1000 Genomes Project 0.00180; 1000 Genomes Project 30x 0.00187.
gnomAD v4.1: 188 of 1,530,018 alleles (0.012%); highest among the groups gnomAD compares: African/African-American, 0.22%; no homozygotes.

Submissions (4):

Labcorp Genetics (formerly Invitae), Labcorp
Classification: Likely benign. Last evaluated: 2025-06-11. Review status: criteria provided, single submitter. Criteria: Invitae Variant Classification Sherloc (09022015). Collection method: clinical testing. Allele origin: germline.

Blueprint Genetics
Classification: Likely benign. Last evaluated: 2021-07-06. Review status: criteria provided, single submitter. Criteria: ACMG Guidelines, 2015. Collection method: clinical testing. Allele origin: germline.

GeneDx
Classification: Likely benign. Last evaluated: 2020-12-15. Review status: criteria provided, single submitter. Criteria: GeneDx Variant Classification Process June 2021. Collection method: clinical testing. Allele origin: germline. Affected: yes.

PreventionGenetics, part of Exact Sciences
Classification: Likely benign for MTFMT-related condition. Last evaluated: 2019-11-06. Review status: no assertion criteria provided. Collection method: clinical testing. Allele origin: germline. Not counted in ClinVar's aggregate classification.
Comment: This variant is classified as likely benign based on ACMG/AMP sequence variant interpretation guidelines (Richards et al. 2015 PMID: 25741868, with internal and published modifications).

NM_139242.4(MTFMT):c.96C>A (p.Leu32=)

Gene: MTFMT (mitochondrial methionyl-tRNA formyltransferase; minus strand). Cytogenetic location: 15q22.31.
Variant type: single nucleotide variant.
Coding change: c.96C>A on transcript NM_139242.4 (MANE Select); coding-DNA position 96, C replaced by A.
Protein change: p.Leu32=; no amino-acid change (leucine 32 retained).
Molecular consequence: synonymous variant.
Genome position (GRCh38, 1-based): chr15:65,029,518, G>T on the plus strand (C>A on the coding strand, the complement: MTFMT is on the minus strand). VCF-style: chr15-65029518-G-T. GRCh37 (hg19) VCF-style: chr15-65321856-G-T.
Identifiers: ClinVar variation 669076 (VCV000669076.13), dbSNP rs543428788, ClinGen allele CA7613435.